The following is an entry in ClinVar:

ClinVar aggregate classification (germline): Likely benign. Review status: criteria provided, multiple submitters, no conflicts (2 of 4 stars). 3 submissions from 3 submitters: Likely benign (3). Last evaluated 2026-01-12.

Conditions:
TFG-related disorder. Also called: TFG-related condition; TFG-related disorders.
Hereditary motor and sensory neuropathy, Okinawa type (HMSNO). Also called: HEREDITARY MOTOR AND SENSORY NEUROPATHY, PROXIMAL TYPE. Identifiers: Orphanet 90117, MedGen C1858338, MONDO:0011468, OMIM 604484.
Hereditary spastic paraplegia 57. Also called: Spastic paraplegia 57, autosomal recessive. Identifiers: Orphanet 431329, MedGen C3714897, MONDO:0014295, OMIM 615658.

Allele frequency attached by ClinVar (database versions not stated): gnomAD exomes 0.00003 and 0.00006; gnomAD 0.00004; 1000 Genomes Project 30x 0.00016; 1000 Genomes Project 0.00020; ExAC 0.00005; TOPMed 0.00006.
gnomAD v4.1: 55 of 1,613,400 alleles (0.0034%); highest among the groups gnomAD compares: Middle Eastern, 0.083%; no homozygotes.

Submissions (3):

Labcorp Genetics (formerly Invitae), Labcorp
Classification: Likely benign for Hereditary motor and sensory neuropathy, Okinawa type; Hereditary spastic paraplegia 57. Last evaluated: 2026-01-12. Review status: criteria provided, single submitter. Criteria: Invitae Variant Classification Sherloc (09022015). Collection method: clinical testing. Allele origin: germline.

PreventionGenetics, part of Exact Sciences
Classification: Likely benign for TFG-related condition. Last evaluated: 2025-12-22. Review status: criteria provided, single submitter. Criteria: ACMG Guidelines, 2015. Collection method: clinical testing. Allele origin: germline.
Comment: This variant is classified as likely benign based on ACMG/AMP sequence variant interpretation guidelines (Richards et al. 2015 PMID: 25741868, with internal and published modifications).

CeGaT Center for Human Genetics Tuebingen
Classification: Likely benign. Last evaluated: 2022-06-01. Review status: criteria provided, single submitter. Criteria: CeGaT Center For Human Genetics Tuebingen Variant Classification Criteria Version 2. Collection method: clinical testing. Allele origin: germline. Affected: yes. Observed: 1 variant allele.
Comment: TFG: BP4, BP7

NM_006070.6(TFG):c.753C>T (p.Ala251=)

Gene: TFG (trafficking from ER to golgi regulator; plus strand). Cytogenetic location: 3q12.2.
Variant type: single nucleotide variant.
Coding change: c.753C>T on transcript NM_006070.6 (MANE Select); coding-DNA position 753, C replaced by T.
Protein change: p.Ala251=; no amino-acid change (alanine 251 retained).
Molecular consequence: synonymous variant.
Genome position (GRCh38, 1-based): chr3:100,744,864, C>T. VCF-style: chr3-100744864-C-T. GRCh37 (hg19) VCF-style: chr3-100463708-C-T.
Other names: c.753C>T, p.Ala251= (NM_001007565.2, NM_001195478.2); c.741C>T, p.Ala247= (NM_001195479.2); c.753C>T (NM_006070.5).
Identifiers: ClinVar variation 1130097 (VCV001130097.33), dbSNP rs561791332, ClinGen allele CA2517184.
Genomic context (GRCh38, chr3:100,744,864, plus strand): 5'-TCCTTGTGTGTGTGTGTGTGTGTTTTCAGGTCAGATGTACCAACAGTACCAGCAACAGGC[C>T]GGCTATGGTGCACAGCAGCCGCAGGCTCCACCTCAGCAGCCTCAACAGTATGGTATTCAG-3'
Protein context (NP_006061.2, residues 241-261): GQMYQQYQQQ[Ala251=]GYGAQQPQAP